The following is an entry in ClinVar:

NM_000548.5(TSC2):c.4523C>G (p.Pro1508Arg)

Gene: TSC2 (TSC complex subunit 2; plus strand). Cytogenetic location: 16p13.3.
Variant type: single nucleotide variant.
Coding change: c.4523C>G on transcript NM_000548.5 (MANE Select); coding-DNA position 4523, C replaced by G.
Protein change: p.Pro1508Arg; replaces proline 1508 with arginine.
Molecular consequence: missense variant.
Genome position (GRCh38, 1-based): chr16:2,084,980, C>G. VCF-style: chr16-2084980-C-G. GRCh37 (hg19) VCF-style: chr16-2134981-C-G.
Other names: c.4322C>G, p.Pro1441Arg (NM_001077183.3); c.4454C>G, p.Pro1485Arg (NM_001114382.3); c.4214C>G, p.Pro1405Arg (NM_001318827.2); c.4178C>G, p.Pro1393Arg (NM_001318829.2); c.3791C>G, p.Pro1264Arg (NM_001318831.2); c.4355C>G, p.Pro1452Arg (NM_001318832.2); c.4325C>G, p.Pro1442Arg (NM_001363528.2); c.4391C>G, p.Pro1464Arg (NM_001370404.1); and 26 more; short protein forms P1016R, P1242R, P1404R, P1422R, P1448R, P1452R, P1465R, P1472R.
Identifiers: ClinVar variation 2000313 (VCV002000313.6), dbSNP rs2151543885, ClinGen allele CA394302802.

ClinVar aggregate classification (germline): Uncertain significance. Review status: criteria provided, multiple submitters, no conflicts (2 of 4 stars). 2 submissions from 2 submitters: Uncertain significance (2). Last evaluated 2026-07-29.

Conditions:
Hereditary cancer-predisposing syndrome. Also called: Hereditary neoplastic syndrome; Neoplastic Syndromes, Hereditary; Tumor predisposition; Hereditary Cancer Syndrome. Identifiers: Orphanet 140162, MedGen C0027672, MeSH D009386, MONDO:0015356.
Tuberous sclerosis 2 (TSC2). Identifiers: Orphanet 805, MedGen C1860707, MONDO:0013199, OMIM 613254.

Allele frequency attached by ClinVar (database versions not stated): gnomAD exomes below 0.00001.
gnomAD v4.1: 1 of 1,613,366 alleles (0.000062%); highest among the groups gnomAD compares: Non-Finnish European, 0.000085%; no homozygotes.

Submissions (2):

Ambry Genetics
Classification: Uncertain significance for Hereditary cancer-predisposing syndrome. Last evaluated: 2026-07-29. Review status: criteria provided, single submitter. Criteria: Ambry Variant Classification Scheme 2023. Collection method: clinical testing. Allele origin: germline.
Comment: The p.P1508R variant (also known as c.4523C>G), located in coding exon 34 of the TSC2 gene, results from a C to G substitution at nucleotide position 4523. The proline at codon 1508 is replaced by arginine, an amino acid with dissimilar properties. This amino acid position is highly conserved in available vertebrate species. In addition, this alteration is predicted to be deleterious by in silico analysis. Based on the available evidence, the clinical significance of this variant remains unclear.

Labcorp Genetics (formerly Invitae), Labcorp
Classification: Uncertain significance for Tuberous sclerosis 2. Last evaluated: 2025-07-02. Review status: criteria provided, single submitter. Criteria: Invitae Variant Classification Sherloc (09022015). Collection method: clinical testing. Allele origin: germline.
Comment: This sequence change replaces proline, which is neutral and non-polar, with arginine, which is basic and polar, at codon 1508 of the TSC2 protein (p.Pro1508Arg). This variant is not present in population databases (gnomAD no frequency). This variant has not been reported in the literature in individuals affected with TSC2-related conditions. ClinVar contains an entry for this variant (Variation ID: 2000313). Invitae Evidence Modeling of protein sequence and biophysical properties (such as structural, functional, and spatial information, amino acid conservation, physicochemical variation, residue mobility, and thermodynamic stability) indicates that this missense variant is not expected to disrupt TSC2 protein function with a negative predictive value of 95%. In summary, the available evidence is currently insufficient to determine the role of this variant in disease. Therefore, it has been classified as a Variant of Uncertain Significance.